The following is an entry in ClinVar:

ClinVar aggregate classification (germline): Uncertain significance (1 of 4 stars; one submission).

Conditions:
Brachyolmia-amelogenesis imperfecta syndrome. Also called: PLATYSPONDYLY WITH AMELOGENESIS IMPERFECTA; Tooth agenesis, selective, 6; Dental anomalies and short stature. Identifiers: Orphanet 2899, MedGen C1832594, MONDO:0011018, OMIM 601216. Disease mechanism: loss of function.

Allele frequency attached by ClinVar (database versions not stated): TOPMed 0.00001.

Submission:

Labcorp Genetics (formerly Invitae), Labcorp
Classification: Uncertain significance for Brachyolmia-amelogenesis imperfecta syndrome. Last evaluated: 2023-06-09. Review status: criteria provided, single submitter. Criteria: Invitae Variant Classification Sherloc (09022015). Collection method: clinical testing. Allele origin: germline.
Comment: This variant is not present in population databases (gnomAD no frequency). This sequence change replaces glycine, which is neutral and non-polar, with alanine, which is neutral and non-polar, at codon 215 of the LTBP3 protein (p.Gly215Ala). In summary, the available evidence is currently insufficient to determine the role of this variant in disease. Therefore, it has been classified as a Variant of Uncertain Significance. An algorithm developed to predict the effect of missense changes on protein structure and function (PolyPhen-2) suggests that this variant is likely to be disruptive. This variant has not been reported in the literature in individuals affected with LTBP3-related conditions.

NM_001130144.3(LTBP3):c.644G>C (p.Gly215Ala)

Gene: LTBP3 (latent transforming growth factor beta binding protein 3; minus strand). Cytogenetic location: 11q13.1.
Variant type: single nucleotide variant.
Coding change: c.644G>C on transcript NM_001130144.3 (MANE Select); coding-DNA position 644, G replaced by C.
Protein change: p.Gly215Ala; replaces glycine 215 with alanine.
Molecular consequence: missense variant.
Genome position (GRCh38, 1-based): chr11:65,554,068, C>G on the plus strand (G>C on the coding strand, the complement: LTBP3 is on the minus strand). VCF-style: chr11-65554068-C-G. GRCh37 (hg19) VCF-style: chr11-65321539-C-G.
Other names: c.293G>C, p.Gly98Ala (NM_001164266.1); c.644G>C, p.Gly215Ala (NM_021070.4); short protein forms G98A, G215A.
Identifiers: ClinVar variation 2705808 (VCV002705808.3), dbSNP rs1265546329, ClinGen allele CA381276209.